The following is an entry in ClinVar:

NM_001943.5(DSG2):c.2002-7C>G

Genes: DSG2 (desmoglein 2; plus strand), DSG2-AS1 (DSG2 antisense RNA 1; minus strand). Cytogenetic location: 18q12.1.
Variant type: single nucleotide variant.
Coding change: c.2002-7C>G on transcript NM_001943.5 (MANE Select); 7 bases into the intron before coding-DNA position 2002, C replaced by G.
Molecular consequence: intron variant.
Genome position (GRCh38, 1-based): chr18:31,542,513, C>G. VCF-style: chr18-31542513-C-G. GRCh37 (hg19) VCF-style: chr18-29122476-C-G.
Identifiers: ClinVar variation 1353515 (VCV001353515.8), dbSNP rs1415718078, ClinGen allele CA629453728.

ClinVar aggregate classification (germline): Conflicting classifications of pathogenicity. Review status: criteria provided, conflicting classifications (1 of 4 stars). 2 submissions from 2 submitters: Uncertain significance (1); Likely benign (1). Last evaluated 2025-09-22.

Conditions:
Cardiomyopathy (CMYO). Also called: Cardiomyopathies. Identifiers: Orphanet 167848, MedGen C0878544, MONDO:0004994, HP:0001638. Inheritance: Various modes of inheritance.
Arrhythmogenic right ventricular dysplasia 10. Also called: ARRHYTHMOGENIC RIGHT VENTRICULAR DYSPLASIA, FAMILIAL, 10; Arrhythmogenic Right Ventricular Dysplasia/Cardiomyopathy10; Arrhythmogenic right ventricular dysplasia/cardiomyopathy, type 10. Identifiers: MedGen C1857777, MONDO:0012434, OMIM 610193.

gnomAD v4.1: 1 of 1,613,700 alleles (0.000062%); highest among the groups gnomAD compares: Admixed American, 0.0017%; no homozygotes.

Submissions (2):

Labcorp Genetics (formerly Invitae), Labcorp
Classification: Likely benign for Arrhythmogenic right ventricular dysplasia 10. Last evaluated: 2025-09-22. Review status: criteria provided, single submitter. Criteria: Invitae Variant Classification Sherloc (09022015). Collection method: clinical testing. Allele origin: germline.

Color Diagnostics, LLC DBA Color Health
Classification: Uncertain significance for Cardiomyopathy. Last evaluated: 2021-09-20. Review status: criteria provided, single submitter. Criteria: ACMG Guidelines, 2015. Collection method: clinical testing. Allele origin: germline.
Comment: This variant causes a C to G nucleotide substitution at the -7 position of intron 13 of the DSG2 gene. Splice prediction tools and conservation analysis are inconclusive regarding the impact of this variant on RNA splicing. To our knowledge, functional studies have not been reported for this variant. This variant has not been reported in individuals affected with cardiovascular disorders in the literature. This variant has been identified in 1/249212 chromosomes in the general population by the Genome Aggregation Database (gnomAD). The available evidence is insufficient to determine the role of this variant in disease conclusively. Therefore, this variant is classified as a Variant of Uncertain Significance.